The following is an entry in ClinVar:

ClinVar aggregate classification (germline): Likely benign. Review status: criteria provided, multiple submitters, no conflicts (2 of 4 stars). 2 submissions from 2 submitters: Likely benign (2). Last evaluated 2025-02-10.

Conditions:
Colorectal cancer, susceptibility to, 12 (CRCS12). Also called: COLORECTAL CANCER, SUSCEPTIBILITY TO, ON CHROMOSOME 12q24. Identifiers: Orphanet 220460, MedGen C3554460, MONDO:0014038, OMIM 615083.

Allele frequency attached by ClinVar (database versions not stated): TOPMed below 0.00001.

Submissions (2):

Myriad Genetics, Inc.
Classification: Likely benign for Colorectal cancer, susceptibility to, 12. Last evaluated: 2025-02-10. Review status: criteria provided, single submitter. Criteria: Myriad Autosomal Dominant, Autosomal Recessive and X-Linked Classification Criteria (2023). Collection method: clinical testing. Allele origin: unknown.
Comment: This variant is considered likely benign. This variant is intronic and is not expected to impact mRNA splicing.

Labcorp Genetics (formerly Invitae), Labcorp
Classification: Likely benign. Last evaluated: 2022-01-31. Review status: criteria provided, single submitter. Criteria: Invitae Variant Classification Sherloc (09022015). Collection method: clinical testing. Allele origin: germline.

NM_006231.4(POLE):c.1106+8T>G

Gene: POLE (DNA polymerase epsilon, catalytic subunit; minus strand). Cytogenetic location: 12q24.33.
Variant type: single nucleotide variant.
Coding change: c.1106+8T>G on transcript NM_006231.4 (MANE Select); 8 bases into the intron after coding-DNA position 1106, T replaced by G.
Molecular consequence: intron variant.
Genome position (GRCh38, 1-based): chr12:132,675,727, A>C on the plus strand (T>G on the coding strand, the complement: POLE is on the minus strand). VCF-style: chr12-132675727-A-C. GRCh37 (hg19) VCF-style: chr12-133252313-A-C.
Identifiers: ClinVar variation 2091273 (VCV002091273.5), dbSNP rs2043033714, ClinGen allele CA2073002992.